The following is an entry in ClinVar:

ClinVar aggregate classification (germline): Uncertain significance (1 of 4 stars; one submission).

Submission:

GeneDx
Classification: Uncertain significance. Last evaluated: 2017-07-26. Review status: criteria provided, single submitter. Criteria: GeneDx Variant Classification (06012015). Collection method: clinical testing. Allele origin: germline. Affected: yes.
Comment: The c.1571 A>G variant in the CUL4B gene has not been reported previously as a pathogenic variant, nor as a benign variant, to our knowledge. The c.1571 A>G variant is not observed in large population cohorts (Lek et al., 2016; 1000 Genomes Consortium et al., 2015; Exome Variant Server). In-silico splice prediction models predict that c.1571 A>G may create a cryptic splice donor site in exon 13 that could supplant the natural splice donor site. However, in the absence of RNA/functional studies, the actual effect of the c.1571 A>G change in this individual is unknown. If c.1571 A>G does not alter splicing, it will result in the D524G missense change. The D524G variant is a non-conservative amino acid substitution, which is likely to impact secondary protein structure as these residues differ in polarity, charge, size and/or other properties. This substitution occurs at a position [that is conserved across species. In silico analysis predicts this variant is probably damaging to the protein structure/function. We interpret c.1571 A>G as a variant of uncertain significance.

NM_001079872.2(CUL4B):c.1517A>G (p.Asp506Gly)

Gene: CUL4B (cullin 4B; minus strand). Cytogenetic location: Xq24.
Variant type: single nucleotide variant.
Coding change: c.1517A>G on transcript NM_001079872.2 (MANE Select); coding-DNA position 1517, A replaced by G.
Protein change: p.Asp506Gly; replaces aspartic acid 506 with glycine.
Molecular consequence: missense variant.
Genome position (GRCh38, 1-based): chrX:120,540,489, T>C on the plus strand (A>G on the coding strand, the complement: CUL4B is on the minus strand). VCF-style: chrX-120540489-T-C. GRCh37 (hg19) VCF-style: chrX-119674344-T-C.
Other names: c.1532A>G, p.Asp511Gly (NM_001330624.2); c.983A>G, p.Asp328Gly (NM_001369145.1); c.1571A>G, p.Asp524Gly (NM_003588.4); short protein forms D524G, D506G, D328G, D511G.
Identifiers: ClinVar variation 450758 (VCV000450758.2), dbSNP rs1556204126, ClinGen allele CA414196882.